The following is an entry in ClinVar:

NM_000702.4(ATP1A2):c.2703G>T (p.Gln901His)

Gene: ATP1A2 (ATPase Na+/K+ transporting subunit alpha 2; plus strand). Cytogenetic location: 1q23.2.
Variant type: single nucleotide variant.
Coding change: c.2703G>T on transcript NM_000702.4 (MANE Select); coding-DNA position 2703, G replaced by T.
Protein change: p.Gln901His; replaces glutamine 901 with histidine.
Molecular consequence: missense variant.
Genome position (GRCh38, 1-based): chr1:160,136,709, G>T. VCF-style: chr1-160136709-G-T. GRCh37 (hg19) VCF-style: chr1-160106499-G-T.
Other names: short protein forms Q901H.
Identifiers: ClinVar variation 2710230 (VCV002710230.3), dbSNP rs2524891275, ClinGen allele CA343252342.

ClinVar aggregate classification (germline): Uncertain significance (1 of 4 stars; one submission).

Conditions:
Familial hemiplegic migraine. Identifiers: MedGen C0338484, MONDO:0000700.

Submission:

Labcorp Genetics (formerly Invitae), Labcorp
Classification: Uncertain significance for Familial hemiplegic migraine. Last evaluated: 2023-06-10. Review status: criteria provided, single submitter. Criteria: Invitae Variant Classification Sherloc (09022015). Collection method: clinical testing. Allele origin: germline.
Comment: In summary, the available evidence is currently insufficient to determine the role of this variant in disease. Therefore, it has been classified as a Variant of Uncertain Significance. Advanced modeling of protein sequence and biophysical properties (such as structural, functional, and spatial information, amino acid conservation, physicochemical variation, residue mobility, and thermodynamic stability) has been performed at Invitae for this missense variant, however the output from this modeling did not meet the statistical confidence thresholds required to predict the impact of this variant on ATP1A2 protein function. This variant has not been reported in the literature in individuals affected with ATP1A2-related conditions. This variant is not present in population databases (gnomAD no frequency). This sequence change replaces glutamine, which is neutral and polar, with histidine, which is basic and polar, at codon 901 of the ATP1A2 protein (p.Gln901His).